The following is an entry in ClinVar:

NM_004304.5(ALK):c.3235A>C (p.Lys1079Gln)

Gene: ALK (ALK receptor tyrosine kinase; minus strand). Cytogenetic location: 2p23.2.
Variant type: single nucleotide variant.
Coding change: c.3235A>C on transcript NM_004304.5 (MANE Select); coding-DNA position 3235, A replaced by C.
Protein change: p.Lys1079Gln; replaces lysine 1079 with glutamine.
Molecular consequence: missense variant.
Genome position (GRCh38, 1-based): chr2:29,223,466, T>G on the plus strand (A>C on the coding strand, the complement: ALK is on the minus strand). VCF-style: chr2-29223466-T-G. GRCh37 (hg19) VCF-style: chr2-29446332-T-G.
Other names: c.31A>C, p.Lys11Gln (NM_001353765.2); short protein forms K1079Q, K11Q.
Identifiers: ClinVar variation 4779014 (VCV004779014.1).
Genomic context (GRCh38, chr2:29,223,466, plus strand): 5'-CAAAGCAGTAGTTGGGGTTGTAGTCGGTCATGATGGTCGAGGTGCGGAGCTTGCTCAGCT[T>G]GTACTCAGGGCTCTGCAGCTCCATCTGCATGGCTTGCAGCTCCTGGTGCTTCCGGCGGTA-3'
Protein context (NP_004295.2, residues 1069-1089): MQMELQSPEY[Lys1079Gln]LSKLRTSTIM

ClinVar aggregate classification (germline): Uncertain significance (1 of 4 stars; one submission).

Conditions:
Neuroblastoma, susceptibility to, 3. Also called: ALK-Related Neuroblastic Tumor Susceptibility. Identifiers: Orphanet 635, MedGen C2751681, MONDO:0013083, OMIM 613014.

Submission:

Labcorp Genetics (formerly Invitae), Labcorp
Classification: Uncertain significance for Neuroblastoma, susceptibility to, 3. Last evaluated: 2025-02-18. Review status: criteria provided, single submitter. Criteria: Invitae Variant Classification Sherloc (09022015). Collection method: clinical testing. Allele origin: germline.
Comment: This sequence change replaces lysine, which is basic and polar, with glutamine, which is neutral and polar, at codon 1079 of the ALK protein (p.Lys1079Gln). This variant is not present in population databases (gnomAD no frequency). This variant has not been reported in the literature in individuals affected with ALK-related conditions. An algorithm developed to predict the effect of missense changes on protein structure and function (PolyPhen-2) suggests that this variant is likely to be disruptive. In summary, the available evidence is currently insufficient to determine the role of this variant in disease. Therefore, it has been classified as a Variant of Uncertain Significance.